The following is an entry in ClinVar:

NM_003118.4(SPARC):c.766C>T (p.Arg256Cys)

Genes: SPARC (secreted protein acidic and cysteine rich; minus strand), LOC126807556 (MED14-independent group 3 enhancer GRCh37_chr5:151042798-151043997; plus strand). Cytogenetic location: 5q33.1.
Variant type: single nucleotide variant.
Coding change: c.766C>T on transcript NM_003118.4 (MANE Select); coding-DNA position 766, C replaced by T.
Protein change: p.Arg256Cys; replaces arginine 256 with cysteine.
Molecular consequence: missense variant.
Genome position (GRCh38, 1-based): chr5:151,664,204, G>A on the plus strand (C>T on the coding strand, the complement: SPARC is on the minus strand). VCF-style: chr5-151664204-G-A. GRCh37 (hg19) VCF-style: chr5-151043765-G-A.
Other names: c.763C>T, p.Arg255Cys (NM_001309443.2); c.766C>T, p.Arg256Cys (NM_001309444.2); short protein forms R256C, R255C.
Identifiers: ClinVar variation 1969441 (VCV001969441.2), dbSNP rs370328004, ClinGen allele CA3522579.

ClinVar aggregate classification (germline): Uncertain significance (1 of 4 stars; one submission).

Allele frequency attached by ClinVar (database versions not stated): gnomAD 0.00004; gnomAD exomes 0.00004; ExAC 0.00006; TOPMed 0.00006; ESP Exome Variant Server 0.00008.
gnomAD v4.1: 68 of 1,613,988 alleles (0.0042%); highest among the groups gnomAD compares: Admixed American, 0.0067%; no homozygotes.

Submission:

Labcorp Genetics (formerly Invitae), Labcorp
Classification: Uncertain significance. Last evaluated: 2022-03-30. Review status: criteria provided, single submitter. Criteria: Invitae Variant Classification Sherloc (09022015). Collection method: clinical testing. Allele origin: germline.
Comment: This sequence change replaces arginine, which is basic and polar, with cysteine, which is neutral and slightly polar, at codon 256 of the SPARC protein (p.Arg256Cys). This variant is present in population databases (rs370328004, gnomAD 0.02%). This variant has not been reported in the literature in individuals affected with SPARC-related conditions. Algorithms developed to predict the effect of missense changes on protein structure and function (SIFT, PolyPhen-2, Align-GVGD) all suggest that this variant is likely to be disruptive. In summary, the available evidence is currently insufficient to determine the role of this variant in disease. Therefore, it has been classified as a Variant of Uncertain Significance.